The following is an entry in ClinVar:

NM_004006.3(DMD):c.11022T>G (p.Asn3674Lys)

Gene: DMD (dystrophin; minus strand). Cytogenetic location: Xp21.2.
Variant type: single nucleotide variant.
Coding change: c.11022T>G on transcript NM_004006.3 (MANE Select); coding-DNA position 11022, T replaced by G.
Protein change: p.Asn3674Lys; replaces asparagine 3674 with lysine.
Molecular consequence: missense variant. On other transcripts: intron variant (5).
Genome position (GRCh38, 1-based): chrX:31,126,666, A>C on the plus strand (T>G on the coding strand, the complement: DMD is on the minus strand). VCF-style: chrX-31126666-A-C. GRCh37 (hg19) VCF-style: chrX-31144783-A-C.
Other names: c.10998T>G, p.Asn3666Lys (NM_000109.4); c.11010T>G, p.Asn3670Lys (NM_004009.3); c.10653T>G, p.Asn3551Lys (NM_004010.3); c.6999T>G, p.Asn2333Lys (NM_004011.4); c.6990T>G, p.Asn2330Lys (NM_004012.4); c.3642T>G, p.Asn1214Lys (NM_004013.3); c.2835T>G, p.Asn945Lys (NM_004014.3); c.1818T>G, p.Asn606Lys (NM_004015.3); and 7 more; short protein forms N3674K, N1104K, N2333K, N3551K, N606K, N2330K, N3666K, N945K.
Identifiers: ClinVar variation 94450 (VCV000094450.11), dbSNP rs398123849, ClinGen allele CA222288.

ClinVar aggregate classification (germline): Uncertain significance. Review status: criteria provided, single submitter (1 of 4 stars). 2 submissions from 2 submitters: Uncertain significance (1). 1 of the submissions does not count toward it. Last evaluated 2022-09-02.

Conditions:
Dystrophin deficiency.
Becker muscular dystrophy (BMD). Also called: MUSCULAR DYSTROPHY, PSEUDOHYPERTROPHIC PROGRESSIVE, BECKER TYPE; Becker Muscular Dystrophy (BMD). Identifiers: Orphanet 98895, MedGen C0917713, MONDO:0010311, OMIM 300376.
Cardiomyopathy (CMYO). Also called: Cardiomyopathies. Identifiers: Orphanet 167848, MedGen C0878544, MONDO:0004994, HP:0001638. Inheritance: Various modes of inheritance.
Duchenne muscular dystrophy (DMD). Also called: Duchenne Muscular Dystrophy (DMD); MUSCULAR DYSTROPHY, PSEUDOHYPERTROPHIC PROGRESSIVE, DUCHENNE TYPE. Identifiers: Orphanet 98896, MedGen C0013264, MONDO:0010679, OMIM 310200.

Allele frequency attached by ClinVar (database versions not stated): gnomAD exomes below 0.00001.
gnomAD v4.1: 2 of 1,196,684 alleles (0.00017%); highest among the groups gnomAD compares: Non-Finnish European, 0.00023%; no homozygotes.

Submissions (2):

Labcorp Genetics (formerly Invitae), Labcorp
Classification: Uncertain significance for Duchenne muscular dystrophy. Last evaluated: 2022-09-02. Review status: criteria provided, single submitter. Criteria: Invitae Variant Classification Sherloc (09022015). Collection method: clinical testing. Allele origin: germline.
Comment: In summary, the available evidence is currently insufficient to determine the role of this variant in disease. Therefore, it has been classified as a Variant of Uncertain Significance. Algorithms developed to predict the effect of missense changes on protein structure and function (SIFT, PolyPhen-2, Align-GVGD) all suggest that this variant is likely to be disruptive. ClinVar contains an entry for this variant (Variation ID: 94450). This missense change has been observed in individual(s) with clinical features of DMD-related conditions (PMID: 21520333). This variant is not present in population databases (gnomAD no frequency). This sequence change replaces asparagine, which is neutral and polar, with lysine, which is basic and polar, at codon 3674 of the DMD protein (p.Asn3674Lys).

Natera, Inc.
Classification: Uncertain significance for Becker muscular dystrophy; Cardiomyopathy; Duchenne muscular dystrophy; Dystrophin deficiency. Last evaluated: 2019-02-15. Review status: no assertion criteria provided. Collection method: clinical testing. Allele origin: germline. Not counted in ClinVar's aggregate classification.

Literature cited by the submitters: PubMed 21520333 (cited by Labcorp Genetics (formerly Invitae), Labcorp).